The following is an entry in ClinVar:

ClinVar aggregate classification (germline): Uncertain significance (1 of 4 stars; one submission).

Conditions:
Amelocerebrohypohidrotic syndrome (KTZS). Also called: Kohlschutter's syndrome; EPILEPSY AND YELLOW TEETH; EPILEPSY, DEMENTIA, AND AMELOGENESIS IMPERFECTA; KOHLSCHUTTER SYNDROME. Identifiers: Orphanet 1946, MedGen C0406740, MONDO:0009185, OMIM 226750.

Allele frequency attached by ClinVar (database versions not stated): gnomAD exomes 0.00001.
gnomAD v4.1: 9 of 1,556,902 alleles (0.00058%); highest among the groups gnomAD compares: South Asian, 0.0095%; no homozygotes.

Submission:

Labcorp Genetics (formerly Invitae), Labcorp
Classification: Uncertain significance for Amelocerebrohypohidrotic syndrome. Last evaluated: 2022-08-10. Review status: criteria provided, single submitter. Criteria: Invitae Variant Classification Sherloc (09022015). Collection method: clinical testing. Allele origin: germline.
Comment: This sequence change replaces lysine, which is basic and polar, with glutamic acid, which is acidic and polar, at codon 109 of the ROGDI protein (p.Lys109Glu). This variant is present in population databases (no rsID available, gnomAD 0.02%). This variant has not been reported in the literature in individuals affected with ROGDI-related conditions. Algorithms developed to predict the effect of missense changes on protein structure and function (SIFT, PolyPhen-2, Align-GVGD) all suggest that this variant is likely to be disruptive. In summary, the available evidence is currently insufficient to determine the role of this variant in disease. Therefore, it has been classified as a Variant of Uncertain Significance.

NM_024589.3(ROGDI):c.325A>G (p.Lys109Glu)

Gene: ROGDI (rogdi atypical leucine zipper; minus strand). Cytogenetic location: 16p13.3.
Variant type: single nucleotide variant.
Coding change: c.325A>G on transcript NM_024589.3 (MANE Select); coding-DNA position 325, A replaced by G.
Protein change: p.Lys109Glu; replaces lysine 109 with glutamic acid.
Molecular consequence: missense variant. On other transcripts: non-coding transcript variant (1).
Genome position (GRCh38, 1-based): chr16:4,800,509, T>C on the plus strand (A>G on the coding strand, the complement: ROGDI is on the minus strand). VCF-style: chr16-4800509-T-C. GRCh37 (hg19) VCF-style: chr16-4850510-T-C.
Other names: short protein forms K109E.
Identifiers: ClinVar variation 2420762 (VCV002420762.6), dbSNP rs1230742168, ClinGen allele CA394654002.